The following is an entry in ClinVar:

NM_013275.6(ANKRD11):c.6730G>A (p.Val2244Ile)

Gene: ANKRD11 (ankyrin repeat domain 11; minus strand). Cytogenetic location: 16q24.3.
Variant type: single nucleotide variant.
Coding change: c.6730G>A on transcript NM_013275.6 (MANE Select); coding-DNA position 6730, G replaced by A.
Protein change: p.Val2244Ile; replaces valine 2244 with isoleucine.
Molecular consequence: missense variant.
Genome position (GRCh38, 1-based): chr16:89,279,812, C>T on the plus strand (G>A on the coding strand, the complement: ANKRD11 is on the minus strand). VCF-style: chr16-89279812-C-T. GRCh37 (hg19) VCF-style: chr16-89346220-C-T.
Other names: c.6730G>A (NM_013275.4); c.6730G>A, p.Val2244Ile (NM_001256182.2, NM_001256183.2); short protein forms V2244I.
Identifiers: ClinVar variation 705209 (VCV000705209.43), dbSNP rs200852197, ClinGen allele CA8241352.
Genomic context (GRCh38, chr16:89,279,812, plus strand): 5'-GGGGGCCTTCAGCCTCAGCCCCCTGGTCTCCGCTCCCCAGTGGGCGCTGTTCTGGGGGAA[C>T]GGGCGCGGGCTCCACGCTGGAGTCCGGATCCCCACGGGCCCTCTCTTCCGGCACCGTCTC-3'
Protein context (NP_037407.4, residues 2234-2254): DPDSSVEPAP[Val2244Ile]PPEQRPLGSG

ClinVar aggregate classification (germline): Benign/Likely benign. Review status: criteria provided, multiple submitters, no conflicts (2 of 4 stars). 9 submissions from 9 submitters: Benign (3); Likely benign (5). 1 of the submissions does not count toward it. Last evaluated 2026-05-13.

Conditions:
ANKRD11-related disorder. Also called: ANKRD11-related condition.
Inborn genetic diseases. Identifiers: MedGen C0950123, MeSH D030342.
KBG syndrome (KBGS). Also called: ANKRD11-Related KBG Syndrome. Identifiers: Orphanet 2332, MedGen C0220687, MONDO:0007846, OMIM 148050.

Allele frequency attached by ClinVar (database versions not stated): gnomAD exomes 0.00010 and 0.00028; ExAC 0.00027; ESP Exome Variant Server 0.00062; gnomAD 0.00106 and 0.00111; TOPMed 0.00128; 1000 Genomes Project 0.00140; 1000 Genomes Project 30x 0.00187.
gnomAD v4.1: 314 of 1,542,086 alleles (0.02%); highest among the groups gnomAD compares: African/African-American, 0.34%; no homozygotes.

Submissions (9):

Women's Health and Genetics/Laboratory Corporation of America, LabCorp
Classification: Likely benign. Last evaluated: 2026-05-13. Review status: criteria provided, single submitter. Criteria: LabCorp Variant Classification Summary - May 2015. Collection method: clinical testing. Allele origin: germline.

CeGaT Center for Human Genetics Tuebingen
Classification: Likely benign. Last evaluated: 2026-05-01. Review status: criteria provided, single submitter. Criteria: CeGaT Center For Human Genetics Tuebingen Variant Classification Criteria Version 2. Collection method: clinical testing. Allele origin: germline. Affected: yes. Observed: 2 variant alleles.
Comment: ANKRD11: BP4, BS1

Labcorp Genetics (formerly Invitae), Labcorp
Classification: Likely benign for KBG syndrome. Last evaluated: 2025-11-25. Review status: criteria provided, single submitter. Criteria: Invitae Variant Classification Sherloc (09022015). Collection method: clinical testing. Allele origin: germline.

Ambry Genetics
Classification: Likely benign for Inborn genetic diseases. Last evaluated: 2025-06-09. Review status: criteria provided, single submitter. Criteria: Ambry Variant Classification Scheme 2023. Collection method: clinical testing. Allele origin: germline.

Blueprint Genetics
Classification: Likely benign. Last evaluated: 2024-09-24. Review status: criteria provided, single submitter. Criteria: ACMG Guidelines, 2015. Collection method: clinical testing. Allele origin: germline.

Genome-Nilou Lab
Classification: Benign for KBG syndrome. Last evaluated: 2021-12-05. Review status: criteria provided, single submitter. Criteria: ACMG Guidelines, 2015. Collection method: clinical testing. Allele origin: germline. Affected: no.

Athena Diagnostics
Classification: Benign. Last evaluated: 2019-06-25. Review status: criteria provided, single submitter. Criteria: Athena Diagnostics Criteria. Collection method: clinical testing. Allele origin: germline.

GeneDx
Classification: Benign. Last evaluated: 2019-06-07. Review status: criteria provided, single submitter. Criteria: GeneDx Variant Classification Process June 2021. Collection method: clinical testing. Allele origin: germline. Affected: yes.

PreventionGenetics, part of Exact Sciences
Classification: Likely benign for ANKRD11-related condition. Last evaluated: 2020-03-03. Review status: no assertion criteria provided. Collection method: clinical testing. Allele origin: germline. Not counted in ClinVar's aggregate classification.
Comment: This variant is classified as likely benign based on ACMG/AMP sequence variant interpretation guidelines (Richards et al. 2015 PMID: 25741868, with internal and published modifications).